The following is an entry in ClinVar:

NM_003995.4(NPR2):c.1267C>T (p.Arg423Trp)

Gene: NPR2 (natriuretic peptide receptor 2; plus strand). Cytogenetic location: 9p13.3.
Variant type: single nucleotide variant.
Coding change: c.1267C>T on transcript NM_003995.4 (MANE Select); coding-DNA position 1267, C replaced by T.
Protein change: p.Arg423Trp; replaces arginine 423 with tryptophan.
Molecular consequence: missense variant.
Genome position (GRCh38, 1-based): chr9:35,800,757, C>T. VCF-style: chr9-35800757-C-T. GRCh37 (hg19) VCF-style: chr9-35800754-C-T.
Other names: c.1267C>T, p.Arg423Trp (NM_001378923.1); short protein forms R423W.
Identifiers: ClinVar variation 2037188 (VCV002037188.5), dbSNP rs143599560, ClinGen allele CA5051645.

ClinVar aggregate classification (germline): Uncertain significance. Review status: criteria provided, multiple submitters, no conflicts (2 of 4 stars). 2 submissions from 2 submitters: Uncertain significance (2). Last evaluated 2025-02-04.

Conditions:
Acromesomelic dysplasia 1, Maroteaux type (AMD1). Also called: ST. HELENA DYSPLASIA; ACROMESOMELIC DYSPLASIA 1. Identifiers: Orphanet 40, MedGen C1864356, MONDO:0011275, OMIM 602875.
Tall stature-scoliosis-macrodactyly of the great toes syndrome. Also called: Epiphyseal chondrodysplasia, miura type. Identifiers: Orphanet 329191, MedGen C4014690, MONDO:0014401, OMIM 615923.

Allele frequency attached by ClinVar (database versions not stated): ExAC 0.00003; TOPMed 0.00005; gnomAD 0.00006; gnomAD exomes 0.00006; ESP Exome Variant Server 0.00046.
gnomAD v4.1: 95 of 1,614,014 alleles (0.0059%); highest among the groups gnomAD compares: Middle Eastern, 0.049%; no homozygotes.

Submissions (2):

Women's Health and Genetics/Laboratory Corporation of America, LabCorp
Classification: Uncertain significance. Last evaluated: 2025-02-04. Review status: criteria provided, single submitter. Criteria: LabCorp Variant Classification Summary - May 2015. Collection method: clinical testing. Allele origin: germline.
Comment: Variant summary: NPR2 c.1267C>T (p.Arg423Trp) results in a non-conservative amino acid change in the encoded protein sequence. Four of five in-silico tools predict a damaging effect of the variant on protein function. The variant allele was found at a frequency of 2.4e-05 in 251444 control chromosomes. The available data on variant occurrences in the general population are insufficient to allow any conclusion about variant significance. To our knowledge, no occurrence of c.1267C>T in individuals affected with NPR2-Related Disorders and no experimental evidence demonstrating its impact on protein function have been reported. ClinVar contains an entry for this variant (Variation ID: 2037188). Based on the evidence outlined above, the variant was classified as uncertain significance.

Labcorp Genetics (formerly Invitae), Labcorp
Classification: Uncertain significance for Tall stature-scoliosis-macrodactyly of the great toes syndrome; Acromesomelic dysplasia 1, Maroteaux type. Last evaluated: 2022-01-17. Review status: criteria provided, single submitter. Criteria: Invitae Variant Classification Sherloc (09022015). Collection method: clinical testing. Allele origin: germline.
Comment: This sequence change replaces arginine, which is basic and polar, with tryptophan, which is neutral and slightly polar, at codon 423 of the NPR2 protein (p.Arg423Trp). This variant is present in population databases (rs143599560, gnomAD 0.007%). This variant has not been reported in the literature in individuals affected with NPR2-related conditions. Algorithms developed to predict the effect of missense changes on protein structure and function are either unavailable or do not agree on the potential impact of this missense change (SIFT: "Deleterious"; PolyPhen-2: "Benign"; Align-GVGD: "Class C25"). In summary, the available evidence is currently insufficient to determine the role of this variant in disease. Therefore, it has been classified as a Variant of Uncertain Significance.